The following is an entry in ClinVar:

NM_004370.6(COL12A1):c.5940A>G (p.Ile1980Met)

Gene: COL12A1 (collagen type XII alpha 1 chain; minus strand). Cytogenetic location: 6q13.
Variant type: single nucleotide variant.
Coding change: c.5940A>G on transcript NM_004370.6 (MANE Select); coding-DNA position 5940, A replaced by G.
Protein change: p.Ile1980Met; replaces isoleucine 1980 with methionine.
Molecular consequence: missense variant.
Genome position (GRCh38, 1-based): chr6:75,130,979, T>C on the plus strand (A>G on the coding strand, the complement: COL12A1 is on the minus strand). VCF-style: chr6-75130979-T-C. GRCh37 (hg19) VCF-style: chr6-75840695-T-C.
Other names: c.2448A>G, p.Ile816Met (NM_080645.3); short protein forms I1980M, I816M.
Identifiers: ClinVar variation 1014826 (VCV001014826.10), dbSNP rs376487916, ClinGen allele CA140987570.

ClinVar aggregate classification (germline): Uncertain significance. Review status: criteria provided, multiple submitters, no conflicts (2 of 4 stars). 2 submissions from 2 submitters: Uncertain significance (2). Last evaluated 2025-09-02.

Conditions:
Ullrich congenital muscular dystrophy 2 (UCMD2). Identifiers: Orphanet 75840, MedGen C4225314, MONDO:0014654, OMIM 616470.
Bethlem myopathy 2 (BTHLM2). Identifiers: Orphanet 536516, Orphanet 610, MedGen C4225313, MONDO:0034022, OMIM 616471.

Allele frequency attached by ClinVar (database versions not stated): gnomAD exomes below 0.00001; TOPMed below 0.00001; gnomAD 0.00001; ESP Exome Variant Server 0.00008.
gnomAD v4.1: 2 of 1,614,032 alleles (0.00012%); highest among the groups gnomAD compares: African/African-American, 0.0013%; no homozygotes.

Submissions (2):

Women's Health and Genetics/Laboratory Corporation of America, LabCorp
Classification: Uncertain significance. Last evaluated: 2025-09-02. Review status: criteria provided, single submitter. Criteria: LabCorp Variant Classification Summary - May 2015. Collection method: clinical testing. Allele origin: germline.
Comment: Variant summary: COL12A1 c.5940A>G (p.Ile1980Met) results in a conservative amino acid change in the encoded protein sequence. Algorithms developed to predict the effect of missense changes on protein structure and function all suggest that this variant is likely to be tolerated. Several computational tools predict a significant impact on normal splicing: Four predict the variant no significant impact on splicing. However, these predictions have yet to be confirmed by functional studies. The variant was absent in 249412 control chromosomes. The available data on variant occurrences in the general population are insufficient to allow any conclusion about variant significance. To our knowledge, no occurrence of c.5940A>G in individuals affected with COL12A1-related conditions and no experimental evidence demonstrating its impact on protein function have been reported. ClinVar contains an entry for this variant (Variation ID: 1014826). Based on the evidence outlined above, the variant was classified as uncertain significance.

Labcorp Genetics (formerly Invitae), Labcorp
Classification: Uncertain significance for Bethlem myopathy 2; Ullrich congenital muscular dystrophy 2. Last evaluated: 2020-10-30. Review status: criteria provided, single submitter. Criteria: Invitae Variant Classification Sherloc (09022015). Collection method: clinical testing. Allele origin: germline.
Comment: Algorithms developed to predict the effect of missense changes on protein structure and function output the following: SIFT: "Tolerated"; PolyPhen-2: "Possibly Damaging"; Align-GVGD: "Class C0". The methionine amino acid residue is found in multiple mammalian species, suggesting that this missense change does not adversely affect protein function. These predictions have not been confirmed by published functional studies and their clinical significance is uncertain. In summary, the available evidence is currently insufficient to determine the role of this variant in disease. Therefore, it has been classified as a Variant of Uncertain Significance. This variant has not been reported in the literature in individuals with COL12A1-related conditions. This variant is not present in population databases (ExAC no frequency). This sequence change replaces isoleucine with methionine at codon 1980 of the COL12A1 protein (p.Ile1980Met). The isoleucine residue is moderately conserved and there is a small physicochemical difference between isoleucine and methionine.